The following is an entry in ClinVar:

NM_002693.3(POLG):c.153_154insTAG (p.Gln52Ter)

Genes: POLGARF (POLG alternative reading frame; minus strand), POLG (DNA polymerase gamma, catalytic subunit; minus strand). Cytogenetic location: 15q26.1.
Variant type: Insertion.
Coding change: c.153_154insTAG on transcript NM_002693.3 (MANE Select); coding-DNA positions 153 to 154, TAG inserted.
Protein change: p.Gln52Ter; replaces glutamine 52 with a stop codon.
Molecular consequence: nonsense. On other transcripts: inframe insertion (1).
Genome position: GRCh38 VCF-style: chr15-89333601-G-GCTA. GRCh37 (hg19) VCF-style: chr15-89876832-G-GCTA.
Other names: c.208_209insTAG, p.Ala69_Ala70insVal (NM_001430120.1); c.153_154insTAG, p.Gln52Ter (NM_001126131.2); short protein forms Q52*.
Identifiers: ClinVar variation 5004321 (VCV005004321.1).
Genomic context (GRCh38, chr15:89,333,601, plus strand): 5'-TGTGCCGCAGCTGCCCGCCCTCCGAGGATAGCACTTGCGGCTGCTGAGGCTGCTGTTGCT[G>GCTA]CTGCTGCTGCTGCTGCTGCTGCTGCTGCCGCCGCCGCTGCCCGTCGCTGGGGTCGGACGC-3'

ClinVar aggregate classification (germline): Pathogenic (1 of 4 stars; one submission).

Conditions:
POLG-related disorder. Also called: POLG-related condition; POLG-Related Disorders; POLG-Related Spectrum Disorders. Identifiers: MedGen C4763519.

Submission:

Myriad Genetics, Inc.
Classification: Pathogenic for POLG-related disorder. Last evaluated: 2025-12-08. Review status: criteria provided, single submitter. Criteria: Myriad Autosomal Dominant, Autosomal Recessive and X-Linked Classification Criteria (2023). Collection method: clinical testing. Allele origin: unknown.
Comment: NM_002693.2(POLG):c.153_154insTAG(Q52*) is a nonsense variant classified as pathogenic in the context of POLG-related disorders. Q52* has not been observed in cases with relevant disease. Relevant functional assessments of this variant are not available in the literature. Q52* has not been observed in referenced population frequency databases. In summary, NM_002693.2(POLG):c.153_154insTAG(Q52*) is a nonsense variant in a gene where loss of function is a known mechanism of disease and is predicted to disrupt protein function. Please note: this variant was assessed in the context of healthy population screening.